The following is an entry in ClinVar:

NM_001174147.2(LMX1B):c.*2394G>C

Gene: LMX1B (LIM homeobox transcription factor 1 beta; plus strand). Cytogenetic location: 9q33.3.
Variant type: single nucleotide variant.
Coding change: c.*2394G>C on transcript NM_001174147.2 (MANE Select); 2394 bases downstream of the stop codon, G replaced by C.
Molecular consequence: 3 prime UTR variant.
Genome position (GRCh38, 1-based): chr9:126,698,845, G>C. VCF-style: chr9-126698845-G-C. GRCh37 (hg19) VCF-style: chr9-129461124-G-C.
Other names: c.*2394G>C (NM_001174146.2, NM_002316.4).
Identifiers: ClinVar variation 364955 (VCV000364955.6), dbSNP rs10760451, ClinGen allele CA10628959.

ClinVar aggregate classification (germline): Benign. Review status: criteria provided, multiple submitters, no conflicts (2 of 4 stars). 2 submissions from 2 submitters: Benign (2). Last evaluated 2018-01-13.

Conditions:
Nail-patella syndrome (NPS). Also called: FONG DISEASE; ONYCHOOSTEODYSPLASIA; TURNER-KIESER SYNDROME. Identifiers: Orphanet 2614, MedGen C0027341, MONDO:0008061, OMIM 161200.

Allele frequency attached by ClinVar (database versions not stated): 1000 Genomes Project 0.40895; 1000 Genomes Project 30x 0.41131; TOPMed 0.44555; gnomAD 0.44883; gnomAD exomes 0.40741.
gnomAD v4.1: 68,066 of 152,164 alleles (45%); highest among the groups gnomAD compares: African/African-American, 54%; 15,787 homozygotes.

Submissions (2):

Illumina Laboratory Services, Illumina
Classification: Benign for Nail-patella syndrome. Last evaluated: 2018-01-13. Review status: criteria provided, single submitter. Criteria: ICSL Variant Classification Criteria 13 December 2019. Collection method: clinical testing. Allele origin: germline.
Comment: This variant was observed in the ICSL laboratory as part of a predisposition screen in an ostensibly healthy population. It had not been previously curated by ICSL or reported in the Human Gene Mutation Database (HGMD: prior to June 1st, 2018), and was therefore a candidate for classification through an automated scoring system. Utilizing variant allele frequency, disease prevalence and penetrance estimates, and inheritance mode, an automated score was calculated to assess if this variant is too frequent to cause the disease. Based on the score and internal cut-off values, a variant classified as benign is not then subjected to further curation. The score for this variant resulted in a classification of benign for this disease.

Breakthrough Genomics
Classification: Benign. Review status: criteria provided, single submitter. Criteria: ACMG Guidelines, 2015. Collection method: not provided. Allele origin: germline. Inheritance: Autosomal dominant inheritance. Affected: yes.